The following is an entry in ClinVar:

ClinVar aggregate classification (germline): Likely benign. Review status: criteria provided, multiple submitters, no conflicts (2 of 4 stars). 2 submissions from 2 submitters: Likely benign (2). Last evaluated 2023-11-01.

Conditions:
Menkes kinky-hair syndrome (MNK). Also called: Menkes Disease; Copper transport disease; Classic Menkes Disease. Identifiers: Orphanet 565, MedGen C0022716, MONDO:0010651, OMIM 309400.
Cutis laxa, X-linked (OHS). Also called: Occipital horn syndrome; EDS IX. Identifiers: Orphanet 198, MedGen C0268353, MONDO:0010572, OMIM 304150.
X-linked distal spinal muscular atrophy type 3. Also called: NEURONOPATHY, DISTAL HEREDITARY MOTOR, X-LINKED; NEUROPATHY, DISTAL HEREDITARY MOTOR, X-LINKED; ATP7A-Related Distal Motor Neuropathy; SPINAL MUSCULAR ATROPHY, DISTAL, X-LINKED RECESSIVE. Identifiers: Orphanet 139557, MedGen C1845359, MONDO:0010338, OMIM 300489.

gnomAD v4.1: 6 of 1,211,616 alleles (0.0005%); highest among the groups gnomAD compares: Non-Finnish European, 0.00067%; no homozygotes.

Submissions (2):

CeGaT Center for Human Genetics Tuebingen
Classification: Likely benign. Last evaluated: 2023-11-01. Review status: criteria provided, single submitter. Criteria: CeGaT Center For Human Genetics Tuebingen Variant Classification Criteria Version 2. Collection method: clinical testing. Allele origin: germline. Affected: yes. Observed: 1 variant allele.
Comment: ATP7A: PM2:Supporting, BP4, BP7

Labcorp Genetics (formerly Invitae), Labcorp
Classification: Likely benign for X-linked distal spinal muscular atrophy type 3; Cutis laxa, X-linked; Menkes kinky-hair syndrome. Last evaluated: 2019-12-27. Review status: criteria provided, single submitter. Criteria: Invitae Variant Classification Sherloc (09022015). Collection method: clinical testing. Allele origin: germline.

NM_000052.7(ATP7A):c.3969T>C (p.Asp1323=)

Gene: ATP7A (ATPase copper transporting alpha; plus strand). Cytogenetic location: Xq21.1.
Variant type: single nucleotide variant.
Coding change: c.3969T>C on transcript NM_000052.7 (MANE Select); coding-DNA position 3969, T replaced by C.
Protein change: p.Asp1323=; no amino-acid change (aspartic acid 1323 retained).
Molecular consequence: synonymous variant. On other transcripts: non-coding transcript variant (1).
Genome position (GRCh38, 1-based): chrX:78,042,752, T>C. VCF-style: chrX-78042752-T-C. GRCh37 (hg19) VCF-style: chrX-77298250-T-C.
Other names: c.3735T>C, p.Asp1245= (NM_001282224.2).
Identifiers: ClinVar variation 1154850 (VCV001154850.33), dbSNP rs369114635, ClinGen allele CA517079676.